The following is an entry in ClinVar:

NM_001042492.3(NF1):c.2614G>A (p.Glu872Lys)

Gene: NF1 (neurofibromin 1; plus strand). Cytogenetic location: 17q11.2.
Variant type: single nucleotide variant.
Coding change: c.2614G>A on transcript NM_001042492.3 (MANE Select); coding-DNA position 2614, G replaced by A.
Protein change: p.Glu872Lys; replaces glutamic acid 872 with lysine.
Molecular consequence: missense variant.
Genome position (GRCh38, 1-based): chr17:31,229,229, G>A. VCF-style: chr17-31229229-G-A. GRCh37 (hg19) VCF-style: chr17-29556247-G-A.
Other names: c.2614G>A, p.Glu872Lys (NM_000267.4); short protein forms E872K.
Identifiers: ClinVar variation 1793844 (VCV001793844.2), dbSNP rs2151429255, ClinGen allele CA398984480.

ClinVar aggregate classification (germline): Uncertain significance (1 of 4 stars; one submission).

Conditions:
Cardiovascular phenotype. Identifiers: MedGen CN230736.
Hereditary cancer-predisposing syndrome. Also called: Tumor predisposition; Hereditary Cancer Syndrome; Neoplastic Syndromes, Hereditary; Hereditary neoplastic syndrome. Identifiers: Orphanet 140162, MedGen C0027672, MeSH D009386, MONDO:0015356.

Submission:

Ambry Genetics
Classification: Uncertain significance for Cardiovascular phenotype; Hereditary cancer-predisposing syndrome. Last evaluated: 2022-01-18. Review status: criteria provided, single submitter. Criteria: Ambry Variant Classification Scheme 2023. Collection method: clinical testing. Allele origin: germline.
Comment: The p.E872K variant (also known as c.2614G>A), located in coding exon 21 of the NF1 gene, results from a G to A substitution at nucleotide position 2614. The glutamic acid at codon 872 is replaced by lysine, an amino acid with similar properties. This amino acid position is highly conserved in available vertebrate species. In addition, the in silico prediction for this alteration is inconclusive. Since supporting evidence is limited at this time, the clinical significance of this alteration remains unclear.